The following is an entry in ClinVar:

NM_000090.4(COL3A1):c.1987G>A (p.Gly663Ser)

Gene: COL3A1 (collagen type III alpha 1 chain; plus strand). Cytogenetic location: 2q32.2.
Variant type: single nucleotide variant.
Coding change: c.1987G>A on transcript NM_000090.4 (MANE Select); coding-DNA position 1987, G replaced by A.
Protein change: p.Gly663Ser; replaces glycine 663 with serine.
Molecular consequence: missense variant.
Genome position (GRCh38, 1-based): chr2:188,998,683, G>A. VCF-style: chr2-188998683-G-A. GRCh37 (hg19) VCF-style: chr2-189863409-G-A.
Other names: short protein forms G663S.
Identifiers: ClinVar variation 519597 (VCV000519597.8), dbSNP rs587779433, ClinGen allele CA349854324.

ClinVar aggregate classification (germline): Likely pathogenic. Review status: criteria provided, multiple submitters, no conflicts (2 of 4 stars). 2 submissions from 2 submitters: Likely pathogenic (2). Last evaluated 2023-11-15.

Conditions:
Ehlers-Danlos syndrome, type 4 (EDSVASC). Also called: Ehlers-Danlos syndrome vascular type; Ehlers Danlos syndrome, ecchymotic type; Ehlers Danlos syndrome, arterial type; Ehlers Danlos syndrome, Sack-Barabas type; Ehlers-Danlos Syndrome Type IV. Identifiers: Orphanet 286, MedGen C0268338, MONDO:0017314, OMIM 130050.
Familial thoracic aortic aneurysm and aortic dissection (TAAD). Also called: Thoracic aortic aneurysms and dissections. Identifiers: Orphanet 91387, MedGen C4707243, MONDO:0019625.

Submissions (2):

Labcorp Genetics (formerly Invitae), Labcorp
Classification: Likely pathogenic for Ehlers-Danlos syndrome, type 4. Last evaluated: 2023-11-15. Review status: criteria provided, single submitter. Criteria: Invitae Variant Classification Sherloc (09022015). Collection method: clinical testing. Allele origin: germline.
Comment: This sequence change replaces glycine, which is neutral and non-polar, with serine, which is neutral and polar, at codon 663 of the COL3A1 protein (p.Gly663Ser). This variant is not present in population databases (gnomAD no frequency). This variant has not been reported in the literature in individuals affected with COL3A1-related conditions. ClinVar contains an entry for this variant (Variation ID: 519597). Advanced modeling of protein sequence and biophysical properties (such as structural, functional, and spatial information, amino acid conservation, physicochemical variation, residue mobility, and thermodynamic stability) performed at Invitae indicates that this missense variant is expected to disrupt COL3A1 protein function with a positive predictive value of 95%. This variant disrupts the triple helix domain of COL3A1. Glycine residues within the Gly-Xaa-Yaa repeats of the triple helix domain are required for the structure and stability of fibrillar collagens (PMID: 7695699, 8218237, 19344236). In COL3A1, variants that affect these glycine residues are significantly enriched in individuals with disease (PMID: 24922459, 25758994) compared to the general population (ExAC). In summary, the currently available evidence indicates that the variant is pathogenic, but additional data are needed to prove that conclusively. Therefore, this variant has been classified as Likely Pathogenic.

Ambry Genetics
Classification: Likely pathogenic for Familial thoracic aortic aneurysm and aortic dissection. Last evaluated: 2022-06-17. Review status: criteria provided, single submitter. Criteria: Ambry Variant Classification Scheme 2023. Collection method: clinical testing. Allele origin: germline.
Comment: The p.G663S variant (also known as c.1987G>A), located in coding exon 29 of the COL3A1 gene, results from a G to A substitution at nucleotide position 1987. The glycine at codon 663 is replaced by serine, an amino acid with similar properties. The majority (approximately two-thirds) of COL3A1 mutations identified to date have involved the substitution of another amino acid for glycine within the triple-helical domain (Pepin MG et al. Genet Med. 2014;16(12):881-8; Frank M et al. Eur J Hum Genet. 2015;23(12):1657-64). Internal structural analysis indicates that this alteration disrupts the characteristic G-X-Y motif in the COL3A1 protein and inserts a bulky side chain into a sterically-constrained region (Bella J et al. Science. 1994;266:75-81; Hohenester E et al. Proc. Natl. Acad. Sci. U.S.A. 2008;105:18273-7; Ambry internal data). Alternate amino acid substitutions at this position, p.G663R, p.G663D, and p.G663V, have been described in vascular Ehlers-Danlos syndrome (vEDS) cohorts (Kerwin W et al. Int J Cardiovasc Imaging. 2008;24:519-28; Nakamura M et al. J Cardiol. 2009;53:458-62; Pepin MG et al. Genet Med. 2014;16(12):881-8). This variant is considered to be rare based on population cohorts in the Genome Aggregation Database (gnomAD). This amino acid position is highly conserved in available vertebrate species. In addition, this alteration is predicted to be deleterious by in silico analysis. Based on the majority of available evidence to date, this variant is likely to be pathogenic.

Literature cited by the submitters: PubMed 7695699 (cited by Labcorp Genetics (formerly Invitae), Labcorp); PubMed 8218237 (cited by Labcorp Genetics (formerly Invitae), Labcorp); PubMed 19344236 (cited by Labcorp Genetics (formerly Invitae), Labcorp); PubMed 24922459 (cited by Labcorp Genetics (formerly Invitae), Labcorp); PubMed 25758994 (cited by Labcorp Genetics (formerly Invitae), Labcorp); PubMed 18043893 (cited by Ambry Genetics); PubMed 19477391 (cited by Ambry Genetics).